The following is an entry in ClinVar:

ClinVar aggregate classification (germline): Uncertain significance. Review status: criteria provided, multiple submitters, no conflicts (2 of 4 stars). 2 submissions from 2 submitters: Uncertain significance (2). Last evaluated 2025-06-12.

Allele frequency attached by ClinVar (database versions not stated): gnomAD 0.00001; gnomAD exomes 0.00001; TOPMed 0.00001; ExAC 0.00002.
gnomAD v4.1: 8 of 1,614,060 alleles (0.0005%); highest among the groups gnomAD compares: Admixed American, 0.0067%; no homozygotes.

Submissions (2):

GeneDx
Classification: Uncertain significance. Last evaluated: 2025-06-12. Review status: criteria provided, single submitter. Criteria: GeneDx Variant Classification Process June 2021. Collection method: clinical testing. Allele origin: germline. Affected: yes.
Comment: Has not been previously published as pathogenic or benign to our knowledge; In silico analysis suggests this variant may impact gene splicing. In the absence of RNA/functional studies, the actual effect of this sequence change is unknown

Labcorp Genetics (formerly Invitae), Labcorp
Classification: Uncertain significance. Last evaluated: 2023-11-25. Review status: criteria provided, single submitter. Criteria: Invitae Variant Classification Sherloc (09022015). Collection method: clinical testing. Allele origin: germline.
Comment: This sequence change affects codon 5041 of the MACF1 mRNA. It is a 'silent' change, meaning that it does not change the encoded amino acid sequence of the MACF1 protein. This variant is present in population databases (rs749859918, gnomAD 0.009%). This variant has not been reported in the literature in individuals affected with MACF1-related conditions. Algorithms developed to predict the effect of sequence changes on RNA splicing suggest that this variant may create or strengthen a splice site. In summary, the available evidence is currently insufficient to determine the role of this variant in disease. Therefore, it has been classified as a Variant of Uncertain Significance.

NM_001394062.1(MACF1):c.21300G>A (p.Val7100=)

Gene: MACF1 (microtubule actin crosslinking factor 1; plus strand). Cytogenetic location: 1p34.3.
Variant type: single nucleotide variant.
Coding change: c.21300G>A on transcript NM_001394062.1 (MANE Select); coding-DNA position 21300, G replaced by A.
Protein change: p.Val7100=; no amino-acid change (valine 7100 retained).
Molecular consequence: synonymous variant.
Genome position (GRCh38, 1-based): chr1:39,459,189, G>A. VCF-style: chr1-39459189-G-A. GRCh37 (hg19) VCF-style: chr1-39924861-G-A.
Other names: c.9378G>A, p.Val3126= (NM_001397473.1); c.15123G>A, p.Val5041= (NM_012090.5).
Identifiers: ClinVar variation 2723446 (VCV002723446.4), dbSNP rs749859918, ClinGen allele CA784631.